The following is an entry in ClinVar:

NM_000038.6(APC):c.5274T>A (p.Ser1758=)

Gene: APC (APC regulator of Wnt signaling pathway; plus strand). Cytogenetic location: 5q22.2.
Variant type: single nucleotide variant.
Coding change: c.5274T>A on transcript NM_000038.6 (MANE Select); coding-DNA position 5274, T replaced by A.
Protein change: p.Ser1758=; no amino-acid change (serine 1758 retained).
Molecular consequence: synonymous variant.
Genome position (GRCh38, 1-based): chr5:112,840,868, T>A. VCF-style: chr5-112840868-T-A. GRCh37 (hg19) VCF-style: chr5-112176565-T-A.
Other names: c.5274T>A, p.Ser1758= (NM_001127510.3, NM_001354895.2); c.5220T>A, p.Ser1740= (NM_001127511.3); c.5328T>A, p.Ser1776= (NM_001354896.2); c.5304T>A, p.Ser1768= (NM_001354897.2); c.5199T>A, p.Ser1733= (NM_001354898.2); c.5190T>A, p.Ser1730= (NM_001354899.2); c.5151T>A, p.Ser1717= (NM_001354900.2); c.5097T>A, p.Ser1699= (NM_001354901.2); and 5 more.
Identifiers: ClinVar variation 142238 (VCV000142238.69), dbSNP rs199600387, ClinGen allele CA010018.

ClinVar aggregate classification (germline): Benign/Likely benign. Review status: criteria provided, multiple submitters, no conflicts (2 of 4 stars). 18 submissions from 18 submitters: Benign (7); Likely benign (9). 2 of the submissions do not count toward it. Last evaluated 2026-02-01.

Conditions:
Hereditary cancer-predisposing syndrome. Also called: Tumor predisposition; Hereditary neoplastic syndrome; Hereditary Cancer Syndrome; Neoplastic Syndromes, Hereditary. Identifiers: Orphanet 140162, MedGen C0027672, MeSH D009386, MONDO:0015356.
Familial adenomatous polyposis 1 (FAP1). Also called: POLYPOSIS, ADENOMATOUS INTESTINAL; FAMILIAL ADENOMATOUS POLYPOSIS 1, ATTENUATED. Identifiers: MedGen C2713442, MONDO:0021056, OMIM 175100. Disease mechanism: loss of function.

Allele frequency attached by ClinVar (database versions not stated): ESP Exome Variant Server 0.00015; gnomAD exomes 0.00019 and 0.00021; ExAC 0.00023; gnomAD 0.00023 and 0.00024; TOPMed 0.00025; 1000 Genomes Project 0.00040; 1000 Genomes Project 30x 0.00047.
gnomAD v4.1: 346 of 1,614,074 alleles (0.021%); highest among the groups gnomAD compares: Middle Eastern, 0.099%; no homozygotes.

Submissions (19):

CeGaT Center for Human Genetics Tuebingen
Classification: Likely benign. Last evaluated: 2026-02-01. Review status: criteria provided, single submitter. Criteria: CeGaT Center For Human Genetics Tuebingen Variant Classification Criteria Version 2. Collection method: clinical testing. Allele origin: germline. Affected: yes. Observed: 6 variant alleles.
Comment: APC: BP4, BP7

Labcorp Genetics (formerly Invitae), Labcorp
Classification: Benign for Familial adenomatous polyposis 1. Last evaluated: 2026-01-31. Review status: criteria provided, single submitter. Criteria: Invitae Variant Classification Sherloc (09022015). Collection method: clinical testing. Allele origin: germline.

Center for Genomic Medicine, Rigshospitalet, Copenhagen University Hospital
Classification: Likely benign. Last evaluated: 2025-03-04. Review status: criteria provided, single submitter. Criteria: ACMG Guidelines, 2015. Collection method: clinical testing. Allele origin: germline.

KCCC/NGS Laboratory, Kuwait Cancer Control Center
Classification: Benign for Familial adenomatous polyposis 1. Last evaluated: 2025-02-01. Review status: criteria provided, single submitter. Criteria: ACMG Guidelines, 2015. Collection method: clinical testing. Allele origin: germline. Affected: no.

Blueprint Genetics
Classification: Likely benign. Last evaluated: 2024-07-17. Review status: criteria provided, single submitter. Criteria: ACMG Guidelines, 2015. Collection method: clinical testing. Allele origin: germline.

Institute for Biomarker Research, Medical Diagnostic Laboratories, L.L.C.
Classification: Likely benign for Hereditary cancer-predisposing syndrome. Last evaluated: 2024-02-20. Review status: criteria provided, single submitter. Criteria: ACMG Guidelines, 2015. Collection method: clinical testing. Allele origin: germline.

Myriad Genetics, Inc.
Classification: Benign for Familial adenomatous polyposis 1. Last evaluated: 2023-02-17. Review status: criteria provided, single submitter. Criteria: Myriad Autosomal Dominant, Autosomal Recessive and X-Linked Classification Criteria (2023). Collection method: clinical testing. Allele origin: unknown.
Comment: This variant is considered benign. This variant is a silent/synonymous amino acid change and it is not expected to impact splicing.

Quest Diagnostics Nichols Institute San Juan Capistrano
Classification: Benign. Last evaluated: 2022-07-12. Review status: criteria provided, single submitter. Criteria: Quest Diagnostics criteria. Collection method: clinical testing. Allele origin: unknown.

Women's Health and Genetics/Laboratory Corporation of America, LabCorp
Classification: Benign. Last evaluated: 2022-06-30. Review status: criteria provided, single submitter. Criteria: LabCorp Variant Classification Summary - May 2015. Collection method: clinical testing. Allele origin: germline.

Sema4
Classification: Likely benign for Hereditary cancer-predisposing syndrome. Last evaluated: 2022-02-02. Review status: criteria provided, single submitter. Criteria: Sema4 Curation Guidelines. Collection method: curation. Allele origin: germline.

Genetic Services Laboratory, University of Chicago
Classification: Likely benign. Last evaluated: 2021-12-16. Review status: criteria provided, single submitter. Criteria: ACMG Guidelines, 2015. Collection method: clinical testing. Allele origin: germline. Affected: no.

PreventionGenetics, part of Exact Sciences
Classification: Likely benign. Last evaluated: 2017-01-12. Review status: criteria provided, single submitter. Criteria: ACMG Guidelines, 2015. Collection method: clinical testing. Allele origin: germline.

Color Diagnostics, LLC DBA Color Health
Classification: Likely benign for Hereditary cancer-predisposing syndrome. Last evaluated: 2016-06-13. Review status: criteria provided, single submitter. Criteria: ACMG Guidelines, 2015. Collection method: clinical testing. Allele origin: germline.

GeneDx
Classification: Benign. Last evaluated: 2015-03-03. Review status: criteria provided, single submitter. Criteria: GeneDx Variant Classification Process June 2021. Collection method: clinical testing. Allele origin: germline. Affected: yes.

Ambry Genetics
Classification: Benign for Hereditary cancer-predisposing syndrome. Last evaluated: 2014-10-01. Review status: criteria provided, single submitter. Criteria: Ambry Variant Classification Scheme 2023. Collection method: clinical testing. Allele origin: germline.

Breakthrough Genomics
Classification: Likely benign. Review status: criteria provided, single submitter. Criteria: ACMG Guidelines, 2015. Collection method: not provided. Allele origin: germline. Inheritance: Autosomal dominant inheritance. Affected: yes.

Counsyl
Classification: Likely benign for Familial adenomatous polyposis 1. Last evaluated: 2016-03-22. Review status: no assertion criteria provided. Collection method: clinical testing. Allele origin: unknown. Not counted in ClinVar's aggregate classification.

Department of Pathology and Laboratory Medicine, Sinai Health System
Classification: Uncertain significance. Review status: no assertion criteria provided. Collection method: clinical testing. Allele origin: unknown. Affected: yes. Study: The Canadian Open Genetics Repository (COGR). Not counted in ClinVar's aggregate classification.

Dr. Peter K. Rogan Lab, Western University
No classification provided (evidence only). Condition: Melanoma. Review status: no classification provided. Collection method: in vitro. Allele origin: not applicable. Functional consequence: retained intron. Not counted in ClinVar's aggregate classification.